The following is an entry in ClinVar:

ClinVar aggregate classification (germline): Uncertain significance (1 of 4 stars; one submission).

Allele frequency attached by ClinVar (database versions not stated): gnomAD 0.00001; TOPMed 0.00001; gnomAD exomes 0.00002; ExAC 0.00003.
gnomAD v4.1: 33 of 1,613,458 alleles (0.002%); highest among the groups gnomAD compares: Middle Eastern, 0.033%; no homozygotes.

Submission:

Labcorp Genetics (formerly Invitae), Labcorp
Classification: Uncertain significance. Last evaluated: 2026-02-01. Review status: criteria provided, single submitter. Criteria: Invitae Variant Classification Sherloc (09022015). Collection method: clinical testing. Allele origin: germline.
Comment: This sequence change falls in intron 5 of the SHPK gene. It does not directly change the encoded amino acid sequence of the SHPK protein. This variant is present in population databases (rs768404875, gnomAD 0.007%). This variant has not been reported in the literature in individuals affected with SHPK-related conditions. ClinVar contains an entry for this variant (Variation ID: 1906302). Algorithms developed to predict the effect of sequence changes on RNA splicing suggest that this variant may disrupt the consensus splice site. In summary, the available evidence is currently insufficient to determine the role of this variant in disease. Therefore, it has been classified as a Variant of Uncertain Significance.

NM_013276.4(SHPK):c.824-9G>A

Gene: SHPK (sedoheptulokinase; minus strand). Cytogenetic location: 17p13.2.
Variant type: single nucleotide variant.
Coding change: c.824-9G>A on transcript NM_013276.4 (MANE Select); 9 bases into the intron before coding-DNA position 824, G replaced by A.
Molecular consequence: intron variant.
Genome position (GRCh38, 1-based): chr17:3,615,546, C>T on the plus strand (G>A on the coding strand, the complement: SHPK is on the minus strand). VCF-style: chr17-3615546-C-T. GRCh37 (hg19) VCF-style: chr17-3518840-C-T.
Identifiers: ClinVar variation 1906302 (VCV001906302.5), dbSNP rs768404875, ClinGen allele CA8291192.